The following is an entry in ClinVar:

ClinVar aggregate classification (germline): Uncertain significance (1 of 4 stars; one submission).

Conditions:
Supravalvar aortic stenosis (SVAS). Also called: Supravalvar aortic stenosis, Eisenberg type. Identifiers: Orphanet 3193, MedGen C0003499, MONDO:0008504, OMIM 185500, HP:0004381.

Allele frequency attached by ClinVar (database versions not stated): ExAC 0.00001; TOPMed 0.00002.

Submission:

Labcorp Genetics (formerly Invitae), Labcorp
Classification: Uncertain significance for Supravalvar aortic stenosis. Last evaluated: 2022-05-20. Review status: criteria provided, single submitter. Criteria: Invitae Variant Classification Sherloc (09022015). Collection method: clinical testing. Allele origin: germline.
Comment: This variant has not been reported in the literature in individuals affected with ELN-related conditions. In summary, the available evidence is currently insufficient to determine the role of this variant in disease. Therefore, it has been classified as a Variant of Uncertain Significance. Algorithms developed to predict the effect of missense changes on protein structure and function are either unavailable or do not agree on the potential impact of this missense change (SIFT: "Tolerated"; PolyPhen-2: "Not Available"; Align-GVGD: "Class C0"). This variant is present in population databases (rs782657782, gnomAD 0.003%). This sequence change replaces alanine, which is neutral and non-polar, with threonine, which is neutral and polar, at codon 255 of the ELN protein (p.Ala255Thr).

NM_000501.4(ELN):c.763G>A (p.Ala255Thr)

Gene: ELN (elastin; plus strand). Cytogenetic location: 7q11.23.
Variant type: single nucleotide variant.
Coding change: c.763G>A on transcript NM_000501.4 (MANE Select); coding-DNA position 763, G replaced by A.
Protein change: p.Ala255Thr; replaces alanine 255 with threonine.
Molecular consequence: missense variant.
Genome position (GRCh38, 1-based): chr7:74,048,520, G>A. VCF-style: chr7-74048520-G-A. GRCh37 (hg19) VCF-style: chr7-73462850-G-A.
Other names: c.733G>A, p.Ala245Thr (NM_001081752.3, NM_001278917.2); c.778G>A, p.Ala260Thr (NM_001081753.3, NM_001081754.3); c.763G>A, p.Ala255Thr (NM_001081755.3, NM_001278912.2, NM_001278915.2 and 1 more transcripts); c.655G>A, p.Ala219Thr (NM_001278913.2); c.748G>A, p.Ala250Thr (NM_001278914.2); c.721G>A, p.Ala241Thr (NM_001278916.2); c.631G>A, p.Ala211Thr (NM_001278918.2); short protein forms A241T, A250T, A245T, A255T, A211T, A219T, A260T.
Identifiers: ClinVar variation 2142734 (VCV002142734.4), dbSNP rs782657782, ClinGen allele CA4292686.